The following is an entry in ClinVar:

ClinVar aggregate classification (germline): Uncertain significance (1 of 4 stars; one submission).

Allele frequency attached by ClinVar (database versions not stated): gnomAD 0.00001; TOPMed 0.00001; gnomAD exomes 0.00003 and 0.00004; ExAC 0.00007.
gnomAD v4.1: 45 of 1,613,846 alleles (0.0028%); highest among the groups gnomAD compares: Non-Finnish European, 0.0035%; no homozygotes.

Submission:

Labcorp Genetics (formerly Invitae), Labcorp
Classification: Uncertain significance. Last evaluated: 2022-06-27. Review status: criteria provided, single submitter. Criteria: Invitae Variant Classification Sherloc (09022015). Collection method: clinical testing. Allele origin: germline.
Comment: This sequence change replaces arginine, which is basic and polar, with glutamine, which is neutral and polar, at codon 888 of the MYO18B protein (p.Arg888Gln). This variant is present in population databases (rs771830216, gnomAD 0.008%). This variant has not been reported in the literature in individuals affected with MYO18B-related conditions. Algorithms developed to predict the effect of missense changes on protein structure and function output the following: SIFT: "Not Available"; PolyPhen-2: "Benign"; Align-GVGD: "Not Available". The glutamine amino acid residue is found in multiple mammalian species, which suggests that this missense change does not adversely affect protein function. In summary, the available evidence is currently insufficient to determine the role of this variant in disease. Therefore, it has been classified as a Variant of Uncertain Significance.

NM_032608.7(MYO18B):c.2663G>A (p.Arg888Gln)

Gene: MYO18B (myosin XVIIIB; plus strand). Cytogenetic location: 22q12.1.
Variant type: single nucleotide variant.
Coding change: c.2663G>A on transcript NM_032608.7 (MANE Select); coding-DNA position 2663, G replaced by A.
Protein change: p.Arg888Gln; replaces arginine 888 with glutamine.
Molecular consequence: missense variant.
Genome position (GRCh38, 1-based): chr22:25,823,646, G>A. VCF-style: chr22-25823646-G-A. GRCh37 (hg19) VCF-style: chr22-26219613-G-A.
Other names: c.2663G>A, p.Arg888Gln (NM_001318245.2); short protein forms R888Q.
Identifiers: ClinVar variation 1380731 (VCV001380731.3), dbSNP rs771830216, ClinGen allele CA10160257.
Genomic context (GRCh38, chr22:25,823,646, plus strand): 5'-CGGCCACCTTCAAGCACCACCTTCGACAGATCATCCAGCAAATGACGTTTGGGCCAAGCC[G>A]ATGGGGCCTCGAGGATGAGGAAACCAGCTCAGGTACATGGCTGCTGCCTCTTTGGGTGAG-3'
Protein context (NP_115997.5, residues 878-898): IIQQMTFGPS[Arg888Gln]WGLEDEETSS